The following is an entry in ClinVar:

NM_000179.3(MSH6):c.726C>G (p.Ser242Arg)

Gene: MSH6 (mutS homolog 6; plus strand). Cytogenetic location: 2p16.3.
Variant type: single nucleotide variant.
Coding change: c.726C>G on transcript NM_000179.3 (MANE Select); coding-DNA position 726, C replaced by G.
Protein change: p.Ser242Arg; replaces serine 242 with arginine.
Molecular consequence: missense variant. On other transcripts: 5 prime UTR variant (2).
Genome position (GRCh38, 1-based): chr2:47,798,709, C>G. VCF-style: chr2-47798709-C-G. GRCh37 (hg19) VCF-style: chr2-48025848-C-G.
Other names: c.336C>G, p.Ser112Arg (NM_001281492.2); c.-181C>G (NM_001281493.2, NM_001281494.2); short protein forms S242R, S112R.
Identifiers: ClinVar variation 483876 (VCV000483876.23), dbSNP rs1553412151, ClinGen allele CA346740022.
Genomic context (GRCh38, chr2:47,798,709, plus strand): 5'-TAATGAAATTGAGAGTGAAGAGGAAGTACAGCCTAAGACACAAGGATCTAGGCGAAGTAG[C>G]CGCCAAATAAAAAAACGAAGGGTCATATCAGATTCTGAGAGTGACATTGGTGGCTCTGAT-3'
Protein context (NP_000170.1, residues 232-252): QPKTQGSRRS[Ser242Arg]RQIKKRRVIS

ClinVar aggregate classification (germline): Uncertain significance. Review status: criteria provided, multiple submitters, no conflicts (2 of 4 stars). 5 submissions from 5 submitters: Uncertain significance (5). Last evaluated 2024-09-23.

Conditions:
Lynch syndrome. Identifiers: Orphanet 144, MedGen C4552100, MONDO:0005835. Disease mechanism: loss of function.
Hereditary cancer-predisposing syndrome. Also called: Neoplastic Syndromes, Hereditary; Tumor predisposition; Hereditary Cancer Syndrome; Hereditary neoplastic syndrome. Identifiers: Orphanet 140162, MedGen C0027672, MeSH D009386, MONDO:0015356.
Endometrial carcinoma. Also called: Endometrial carcinoma, somatic. Identifiers: MedGen C0476089, MONDO:0002447, OMIM 608089, HP:0012114.
Hereditary nonpolyposis colorectal neoplasms. Identifiers: MedGen C0009405, MeSH D003123.

Allele frequency attached by ClinVar (database versions not stated): gnomAD exomes below 0.00001.
gnomAD v4.1: 1 of 1,614,030 alleles (0.000062%); highest among the groups gnomAD compares: Non-Finnish European, 0.000085%; no homozygotes.

Submissions (5):

All of Us Research Program, National Institutes of Health
Classification: Uncertain significance for Lynch syndrome. Last evaluated: 2024-09-23. Review status: criteria provided, single submitter. Criteria: ACMG Guidelines, 2015. Collection method: clinical testing. Allele origin: germline. Inheritance: Autosomal dominant inheritance. Observed: 1 variant allele, 1 heterozygote.
Comment: This missense variant replaces serine with arginine at codon 242 of the MSH6 protein. Computational prediction suggests that this variant may not impact protein structure and function (internally defined REVEL score threshold <= 0.5, PMID: 27666373). To our knowledge, functional studies have not been reported for this variant. This variant has not been reported in individuals affected with hereditary cancer in the literature. This variant has not been identified in the general population by the Genome Aggregation Database (gnomAD). The available evidence is insufficient to determine the role of this variant in disease conclusively. Therefore, this variant is classified as a Variant of Uncertain Significance.

This study involves interpretation of variants in research participants for the purpose of population health screening. Participant phenotype was not available at the time of variant classification. Additional details can be found in publication PMID: 35346344, PMCID: PMC8962531

Labcorp Genetics (formerly Invitae), Labcorp
Classification: Uncertain significance for Hereditary nonpolyposis colorectal neoplasms. Last evaluated: 2024-04-15. Review status: criteria provided, single submitter. Criteria: Invitae Variant Classification Sherloc (09022015). Collection method: clinical testing. Allele origin: germline.
Comment: This sequence change replaces serine, which is neutral and polar, with arginine, which is basic and polar, at codon 242 of the MSH6 protein (p.Ser242Arg). This variant is not present in population databases (gnomAD no frequency). This variant has not been reported in the literature in individuals affected with MSH6-related conditions. ClinVar contains an entry for this variant (Variation ID: 483876). Advanced modeling of protein sequence and biophysical properties (such as structural, functional, and spatial information, amino acid conservation, physicochemical variation, residue mobility, and thermodynamic stability) performed at Invitae indicates that this missense variant is not expected to disrupt MSH6 protein function with a negative predictive value of 95%. In summary, the available evidence is currently insufficient to determine the role of this variant in disease. Therefore, it has been classified as a Variant of Uncertain Significance.

Ambry Genetics
Classification: Uncertain significance for Hereditary cancer-predisposing syndrome. Last evaluated: 2024-03-10. Review status: criteria provided, single submitter. Criteria: Ambry Variant Classification Scheme 2023. Collection method: clinical testing. Allele origin: germline.
Comment: The p.S242R variant (also known as c.726C>G), located in coding exon 4 of the MSH6 gene, results from a C to G substitution at nucleotide position 726. The serine at codon 242 is replaced by arginine, an amino acid with dissimilar properties. This amino acid position is not well conserved in available vertebrate species. In addition, this alteration is predicted to be tolerated by in silico analysis. Since supporting evidence is limited at this time, the clinical significance of this alteration remains unclear.

Color Diagnostics, LLC DBA Color Health
Classification: Uncertain significance for Hereditary cancer-predisposing syndrome. Last evaluated: 2024-03-06. Review status: criteria provided, single submitter. Criteria: ACMG Guidelines, 2015. Collection method: clinical testing. Allele origin: germline.
Comment: This missense variant replaces serine with arginine at codon 242 of the MSH6 protein. Computational prediction suggests that this variant may not impact protein structure and function (internally defined REVEL score threshold <= 0.5, PMID: 27666373). To our knowledge, functional studies have not been reported for this variant. This variant has not been reported in individuals affected with hereditary cancer in the literature. This variant has not been identified in the general population by the Genome Aggregation Database (gnomAD). The available evidence is insufficient to determine the role of this variant in disease conclusively. Therefore, this variant is classified as a Variant of Uncertain Significance.

Baylor Genetics
Classification: Uncertain significance for Endometrial carcinoma. Last evaluated: 2023-10-15. Review status: criteria provided, single submitter. Criteria: ACMG Guidelines, 2015. Collection method: clinical testing. Allele origin: unknown.